The following is an entry in ClinVar:

ClinVar aggregate classification (germline): Uncertain significance (0 of 4 stars; one submission).

Conditions:
LEPR-related disorder. Also called: LEPR-related condition; LEPR-related disorders.

Submission:

PreventionGenetics, part of Exact Sciences
Classification: Uncertain significance for LEPR-related condition. Last evaluated: 2024-05-11. Review status: no assertion criteria provided. Collection method: clinical testing. Allele origin: germline.
Comment: The LEPR c.181A>C variant is predicted to result in the amino acid substitution p.Asn61His. To our knowledge, this variant has not been reported in the literature or in a large population database, indicating this variant is rare. At this time, the clinical significance of this variant is uncertain due to the absence of conclusive functional and genetic evidence.

NM_002303.6(LEPR):c.181A>C (p.Asn61His)

Gene: LEPR (leptin receptor; plus strand). Cytogenetic location: 1p31.3.
Variant type: single nucleotide variant.
Coding change: c.181A>C on transcript NM_002303.6 (MANE Select); coding-DNA position 181, A replaced by C.
Protein change: p.Asn61His; replaces asparagine 61 with histidine.
Molecular consequence: missense variant.
Genome position (GRCh38, 1-based): chr1:65,570,613, A>C. VCF-style: chr1-65570613-A-C. GRCh37 (hg19) VCF-style: chr1-66036296-A-C.
Other names: c.181A>C, p.Asn61His (NM_001003679.3, NM_001003680.3, NM_001198687.2 and 2 more transcripts); short protein forms N61H.
Identifiers: ClinVar variation 3348977 (VCV003348977.1).